The following is an entry in ClinVar:

ClinVar aggregate classification (germline): Uncertain significance (1 of 4 stars; one submission).

Allele frequency attached by ClinVar (database versions not stated): gnomAD 0.00003.
gnomAD v4.1: 22 of 1,570,668 alleles (0.0014%); highest among the groups gnomAD compares: African/African-American, 0.018%; 1 homozygote.

Submission:

GeneDx
Classification: Uncertain significance. Last evaluated: 2021-10-27. Review status: criteria provided, single submitter. Criteria: GeneDx Variant Classification Process June 2021. Collection method: clinical testing. Allele origin: germline. Affected: yes.
Comment: In silico analysis supports a deleterious effect on splicing; Has not been previously published as pathogenic or benign to our knowledge; No data available from control populations to assess the frequency of this variant

NM_014516.4(CNOT3):c.-50-9T>G

Gene: CNOT3 (CCR4-NOT transcription complex subunit 3; plus strand). Cytogenetic location: 19q13.42.
Variant type: single nucleotide variant.
Coding change: c.-50-9T>G on transcript NM_014516.4 (MANE Select); 9 bases into the intron before 50 bases upstream of the start codon, T replaced by G.
Molecular consequence: intron variant.
Genome position (GRCh38, 1-based): chr19:54,142,920, T>G. VCF-style: chr19-54142920-T-G. GRCh37 (hg19) VCF-style: chr19-54646656-T-G.
Identifiers: ClinVar variation 1683900 (VCV001683900.2), dbSNP rs111692608, ClinGen allele CA309338152.